The following is an entry in ClinVar:

ClinVar aggregate classification (germline): Uncertain significance. Review status: criteria provided, multiple submitters, no conflicts (2 of 4 stars). 2 submissions from 2 submitters: Uncertain significance (2). Last evaluated 2025-06-01.

Conditions:
MLH3-related disorder. Also called: MLH3-related condition.

Allele frequency attached by ClinVar (database versions not stated): gnomAD 0.00001; TOPMed 0.00001.

Submissions (2):

PreventionGenetics, part of Exact Sciences
Classification: Uncertain significance for MLH3-related condition. Last evaluated: 2025-06-01. Review status: criteria provided, single submitter. Criteria: ACMG Guidelines, 2015. Collection method: clinical testing. Allele origin: germline.
Comment: The MLH3 c.4249C>G variant is predicted to result in the amino acid substitution p.Pro1417Ala. To our knowledge, this variant has not been reported in the literature or in a large population database (gnomAD), indicating this variant is rare. This variant is classified as having uncertain clinical significance in the ClinVar database. At this time, the clinical significance of this variant is uncertain due to the absence of conclusive functional and genetic evidence.

Ambry Genetics
Classification: Uncertain significance. Last evaluated: 2024-08-11. Review status: criteria provided, single submitter. Criteria: Ambry Variant Classification Scheme 2023. Collection method: clinical testing. Allele origin: germline.
Comment: The p.P1417A variant (also known as c.4249C>G), located in coding exon 12 of the MLH3 gene, results from a C to G substitution at nucleotide position 4249. The proline at codon 1417 is replaced by alanine, an amino acid with highly similar properties. This amino acid position is conserved. In addition, the in silico prediction for this alteration is inconclusive. Since supporting evidence is limited at this time, the clinical significance of this alteration remains unclear.

NM_001040108.2(MLH3):c.4249C>G (p.Pro1417Ala)

Gene: MLH3 (mutL homolog 3; minus strand). Cytogenetic location: 14q24.3.
Variant type: single nucleotide variant.
Coding change: c.4249C>G on transcript NM_001040108.2 (MANE Select); coding-DNA position 4249, C replaced by G.
Protein change: p.Pro1417Ala; replaces proline 1417 with alanine.
Molecular consequence: missense variant.
Genome position (GRCh38, 1-based): chr14:75,017,195, G>C on the plus strand (C>G on the coding strand, the complement: MLH3 is on the minus strand). VCF-style: chr14-75017195-G-C. GRCh37 (hg19) VCF-style: chr14-75483898-G-C.
Other names: c.4177C>G, p.Pro1393Ala (NM_014381.3); short protein forms P1393A, P1417A.
Identifiers: ClinVar variation 1739049 (VCV001739049.4), dbSNP rs1266362783, ClinGen allele CA390418241.
Genomic context (GRCh38, chr14:75,017,195, plus strand): 5'-ACTCTGCTTTTCCAAAGAGACGCCAGGCCTGGGCCATTTTGCGAAGTTTAGTGAGGTTGG[G>C]TTTAATCTATGGGAAGAAAGAATAACTTCAATTAGCAATATGAAAAGGTAGGTAGCATAC-3'
Protein context (NP_001035197.1, residues 1407-1427): DHLEQEKQIK[Pro1417Ala]NLTKLRKMAQ